The following is an entry in ClinVar:

ClinVar aggregate classification (germline): Uncertain significance (1 of 4 stars; one submission).

Conditions:
Distal myopathy with posterior leg and anterior hand involvement. Also called: WILLIAMS DISTAL MYOPATHY. Identifiers: Orphanet 63273, MedGen C3279722, MONDO:0013550, OMIM 614065.
Myofibrillar myopathy 5. Also called: Filaminopathy (type); FILAMINOPATHY, AUTOSOMAL DOMINANT. Identifiers: Orphanet 171445, MedGen C1836050, MONDO:0012289, OMIM 609524.
Hypertrophic cardiomyopathy 26. Also called: Cardiomyopathy, familial hypertrophic, 26. Identifiers: Orphanet 75249, MedGen C4310749, MONDO:0014883, OMIM 617047.

Submission:

Labcorp Genetics (formerly Invitae), Labcorp
Classification: Uncertain significance for Distal myopathy with posterior leg and anterior hand involvement; Myofibrillar myopathy 5; Hypertrophic cardiomyopathy 26. Last evaluated: 2022-08-23. Review status: criteria provided, single submitter. Criteria: Invitae Variant Classification Sherloc (09022015). Collection method: clinical testing. Allele origin: germline.
Comment: In summary, the available evidence is currently insufficient to determine the role of this variant in disease. Therefore, it has been classified as a Variant of Uncertain Significance. Algorithms developed to predict the effect of sequence changes on RNA splicing suggest that this variant may create or strengthen a splice site. Algorithms developed to predict the effect of missense changes on protein structure and function are either unavailable or do not agree on the potential impact of this missense change (SIFT: "Deleterious"; PolyPhen-2: "Probably Damaging"; Align-GVGD: "Class C0"). ClinVar contains an entry for this variant (Variation ID: 472022). This variant has not been reported in the literature in individuals affected with FLNC-related conditions. This variant is not present in population databases (gnomAD no frequency). This sequence change replaces aspartic acid, which is acidic and polar, with tyrosine, which is neutral and polar, at codon 949 of the FLNC protein (p.Asp949Tyr).

NM_001458.5(FLNC):c.2845G>T (p.Asp949Tyr)

Gene: FLNC (filamin C; plus strand). Cytogenetic location: 7q32.1.
Variant type: single nucleotide variant.
Coding change: c.2845G>T on transcript NM_001458.5 (MANE Select); coding-DNA position 2845, G replaced by T.
Protein change: p.Asp949Tyr; replaces aspartic acid 949 with tyrosine.
Molecular consequence: missense variant.
Genome position (GRCh38, 1-based): chr7:128,843,829, G>T. VCF-style: chr7-128843829-G-T. GRCh37 (hg19) VCF-style: chr7-128483883-G-T.
Other names: c.2845G>T, p.Asp949Tyr (NM_001127487.2); short protein forms D949Y.
Identifiers: ClinVar variation 472022 (VCV000472022.9), dbSNP rs761905908, ClinGen allele CA369193411.
Genomic context (GRCh38, chr7:128,843,829, plus strand): 5'-GTTCTGACCTACCATTGTACCCAACAGGGCAACATGGCAGTGACAGTGACTTATGGCGGG[G>T]ACCCTGTCCCCAAGAGCCCCTTTGTGGTGAATGTGGCACCCCCGCTGGACCTCAGCAAAA-3'
Protein context (NP_001449.3, residues 939-959): NMAVTVTYGG[Asp949Tyr]PVPKSPFVVN